The following is an entry in ClinVar:

NM_000179.3(MSH6):c.3256C>T (p.Pro1086Ser)

Gene: MSH6 (mutS homolog 6; plus strand). Cytogenetic location: 2p16.3.
Variant type: single nucleotide variant.
Coding change: c.3256C>T on transcript NM_000179.3 (MANE Select); coding-DNA position 3256, C replaced by T.
Protein change: p.Pro1086Ser; replaces proline 1086 with serine.
Molecular consequence: missense variant.
Genome position (GRCh38, 1-based): chr2:47,803,503, C>T. VCF-style: chr2-47803503-C-T. GRCh37 (hg19) VCF-style: chr2-48030642-C-T.
Other names: c.2866C>T, p.Pro956Ser (NM_001281492.2); c.2350C>T, p.Pro784Ser (NM_001281493.2, NM_001281494.2); short protein forms P1086S, P956S, P784S.
Identifiers: ClinVar variation 525751 (VCV000525751.24), dbSNP rs756108143, ClinGen allele CA346758131.

ClinVar aggregate classification (germline): Conflicting classifications of pathogenicity. Review status: criteria provided, conflicting classifications (1 of 4 stars). 6 submissions from 6 submitters: Uncertain significance (5); Likely benign (1). Last evaluated 2025-10-02.

Conditions:
Hereditary nonpolyposis colorectal neoplasms. Identifiers: MedGen C0009405, MeSH D003123.
Hereditary cancer-predisposing syndrome. Also called: Neoplastic Syndromes, Hereditary; Tumor predisposition; Hereditary Cancer Syndrome; Hereditary neoplastic syndrome. Identifiers: Orphanet 140162, MedGen C0027672, MeSH D009386, MONDO:0015356.
Lynch syndrome. Identifiers: Orphanet 144, MedGen C4552100, MONDO:0005835. Disease mechanism: loss of function.

Allele frequency attached by ClinVar (database versions not stated): gnomAD exomes below 0.00001; gnomAD 0.00001; TOPMed 0.00001.

Submissions (6):

Labcorp Genetics (formerly Invitae), Labcorp
Classification: Likely benign for Hereditary nonpolyposis colorectal neoplasms. Last evaluated: 2025-10-02. Review status: criteria provided, single submitter. Criteria: Invitae Variant Classification Sherloc (09022015). Collection method: clinical testing. Allele origin: germline.

All of Us Research Program, National Institutes of Health
Classification: Uncertain significance for Lynch syndrome. Last evaluated: 2024-07-29. Review status: criteria provided, single submitter. Criteria: ACMG Guidelines, 2015. Collection method: clinical testing. Allele origin: germline. Inheritance: Autosomal dominant inheritance. Observed: 3 variant alleles, 3 heterozygotes.
Comment: This missense variant replaces proline with serine at codon 1086 of the MSH6 protein. Computational prediction suggests that this variant may not impact protein structure and function (internally defined REVEL score threshold <= 0.5, PMID: 27666373). To our knowledge, functional studies have not been reported for this variant. This variant has been reported in an individual affected with urothelial carcinoma (PMID: 36091175) . This variant has been identified in 1/251438 chromosomes in the general population by the Genome Aggregation Database (gnomAD). The available evidence is insufficient to determine the role of this variant in disease conclusively. Therefore, this variant is classified as a Variant of Uncertain Significance.

This study involves interpretation of variants in research participants for the purpose of population health screening. Participant phenotype was not available at the time of variant classification. Additional details can be found in publication PMID: 35346344, PMCID: PMC8962531

Color Diagnostics, LLC DBA Color Health
Classification: Uncertain significance for Hereditary cancer-predisposing syndrome. Last evaluated: 2024-07-18. Review status: criteria provided, single submitter. Criteria: ACMG Guidelines, 2015. Collection method: clinical testing. Allele origin: germline.
Comment: This missense variant replaces proline with serine at codon 1086 of the MSH6 protein. Computational prediction suggests that this variant may not impact protein structure and function (internally defined REVEL score threshold <= 0.5, PMID: 27666373). To our knowledge, functional studies have not been reported for this variant. This variant has been reported in an individual affected with urothelial carcinoma (PMID: 36091175) . This variant has been identified in 1/251438 chromosomes in the general population by the Genome Aggregation Database (gnomAD). The available evidence is insufficient to determine the role of this variant in disease conclusively. Therefore, this variant is classified as a Variant of Uncertain Significance.

Ambry Genetics
Classification: Uncertain significance for Hereditary cancer-predisposing syndrome. Last evaluated: 2024-06-12. Review status: criteria provided, single submitter. Criteria: Ambry Variant Classification Scheme 2023. Collection method: clinical testing. Allele origin: germline.
Comment: The p.P1086S variant (also known as c.3256C>T), located in coding exon 5 of the MSH6 gene, results from a C to T substitution at nucleotide position 3256. The proline at codon 1086 is replaced by serine, an amino acid with similar properties. This amino acid position is not well conserved in available vertebrate species. In addition, this alteration is predicted to be tolerated by in silico analysis. Since supporting evidence is limited at this time, the clinical significance of this alteration remains unclear.

GeneDx
Classification: Uncertain significance. Last evaluated: 2023-09-17. Review status: criteria provided, single submitter. Criteria: GeneDx Variant Classification Process June 2021. Collection method: clinical testing. Allele origin: germline. Affected: yes.
Comment: Not observed at significant frequency in large population cohorts (gnomAD); In silico analysis supports that this missense variant does not alter protein structure/function; Has not been previously published as pathogenic or benign to our knowledge; This variant is associated with the following publications: (PMID: 17531815, 21120944)

Department of Pathology and Laboratory Medicine, Sinai Health System
Classification: Uncertain significance for Lynch syndrome. Last evaluated: 2021-12-13. Review status: criteria provided, single submitter. Criteria: ACMG Guidelines, 2015. Collection method: clinical testing. Allele origin: germline. Affected: yes.

Literature cited by the submitters: PubMed 36091175 (cited by All of Us Research Program, National Institutes of Health and Color Diagnostics, LLC DBA Color Health).